The following is an entry in ClinVar:

NM_001283009.2(RTEL1):c.1344G>C (p.Lys448Asn)

Genes: RTEL1 (regulator of telomere elongation helicase 1; plus strand), RTEL1-TNFRSF6B (RTEL1-TNFRSF6B readthrough (NMD candidate); plus strand). Cytogenetic location: 20q13.33.
Variant type: single nucleotide variant.
Coding change: c.1344G>C on transcript NM_001283009.2 (MANE Select); coding-DNA position 1344, G replaced by C.
Protein change: p.Lys448Asn; replaces lysine 448 with asparagine.
Molecular consequence: missense variant. On other transcripts: non-coding transcript variant (1).
Genome position (GRCh38, 1-based): chr20:63,685,868, G>C. VCF-style: chr20-63685868-G-C. GRCh37 (hg19) VCF-style: chr20-62317221-G-C.
Other names: c.675G>C, p.Lys225Asn (NM_001283010.1); c.1344G>C, p.Lys448Asn (NM_016434.4); c.1416G>C, p.Lys472Asn (NM_032957.5); short protein forms K448N, K472N, K225N.
Identifiers: ClinVar variation 550004 (VCV000550004.7), dbSNP rs755129499, ClinGen allele CA9964740.

ClinVar aggregate classification (germline): Uncertain significance. Review status: criteria provided, single submitter (1 of 4 stars). 3 submissions from 3 submitters: Uncertain significance (1). 2 of the submissions do not count toward it. Last evaluated 2025-10-14.

Conditions:
Pulmonary fibrosis and/or bone marrow failure, Telomere-related, 3. Also called: PULMONARY FIBROSIS AND/OR BONE MARROW FAILURE SYNDROME, TELOMERE-RELATED, 3. Identifiers: Orphanet 2032, MedGen C4225346, MONDO:0014613, OMIM 616373.
Dyskeratosis congenita, autosomal recessive 5 (DKCB5). Identifiers: MedGen C3554656, MONDO:0014076, OMIM 615190.
Dyskeratosis congenita. Identifiers: Orphanet 1775, MedGen C0265965, MONDO:0015780.

Allele frequency attached by ClinVar (database versions not stated): gnomAD 0.00001; gnomAD exomes 0.00005; ExAC 0.00006; TOPMed 0.00006.
gnomAD v4.1: 39 of 1,612,330 alleles (0.0024%); highest among the groups gnomAD compares: East Asian, 0.078%; no homozygotes.

Submissions (3):

Labcorp Genetics (formerly Invitae), Labcorp
Classification: Uncertain significance for Dyskeratosis congenita, autosomal recessive 5; Pulmonary fibrosis and/or bone marrow failure, Telomere-related, 3. Last evaluated: 2025-10-14. Review status: criteria provided, single submitter. Criteria: Invitae Variant Classification Sherloc (09022015). Collection method: clinical testing. Allele origin: germline.
Comment: This sequence change replaces lysine, which is basic and polar, with asparagine, which is neutral and polar, at codon 448 of the RTEL1 protein (p.Lys448Asn). This variant is present in population databases (rs755129499, gnomAD 0.07%). This missense change has been observed in individual(s) with clinical features of dyskeratosis congenita (PMID: 26136524). This variant is also known as c.1416G>C (p.Lys472Asn). ClinVar contains an entry for this variant (Variation ID: 550004). An algorithm developed to predict the effect of missense changes on protein structure and function (PolyPhen-2) suggests that this variant is likely to be disruptive. In summary, the available evidence is currently insufficient to determine the role of this variant in disease. Therefore, it has been classified as a Variant of Uncertain Significance.

Natera, Inc.
Classification: Uncertain significance for Dyskeratosis congenita. Last evaluated: 2020-12-29. Review status: no assertion criteria provided. Collection method: clinical testing. Allele origin: germline. Not counted in ClinVar's aggregate classification.

Counsyl
Classification: Uncertain significance for Dyskeratosis congenita, autosomal recessive 5. Last evaluated: 2017-04-28. Review status: no assertion criteria provided. Collection method: clinical testing. Allele origin: unknown. Not counted in ClinVar's aggregate classification.

Literature cited by the submitters: PubMed 26136524 (cited by Labcorp Genetics (formerly Invitae), Labcorp and Counsyl).